The following is an entry in ClinVar:

NM_000214.3(JAG1):c.157A>C (p.Asn53His)

Gene: JAG1 (jagged canonical Notch ligand 1; minus strand). Cytogenetic location: 20p12.2.
Variant type: single nucleotide variant.
Coding change: c.157A>C on transcript NM_000214.3 (MANE Select); coding-DNA position 157, A replaced by C.
Protein change: p.Asn53His; replaces asparagine 53 with histidine.
Molecular consequence: missense variant.
Genome position (GRCh38, 1-based): chr20:10,672,931, T>G on the plus strand (A>C on the coding strand, the complement: JAG1 is on the minus strand). VCF-style: chr20-10672931-T-G. GRCh37 (hg19) VCF-style: chr20-10653579-T-G.
Other names: short protein forms N53H.
Identifiers: ClinVar variation 3573422 (VCV003573422.2).
Genomic context (GRCh38, chr20:10,672,931, plus strand): 5'-TGTCACACTCGTCGCGGGTGCACTTGCGGTCTCCCGGGTTCCGGGCGCCGCCGCAGCAGT[T>G]CCCGTTCTGCAGCTCCCCGTTCACGTTCTGCATGGACAGGATCTCCAACTCGAACTGACC-3'
Protein context (NP_000205.1, residues 43-63): QNVNGELQNG[Asn53His]CCGGARNPGD

Conditions:
Arteriohepatic dysplasia. Also called: Alagille Syndrome. Identifiers: Orphanet 52, MedGen C0085280, MeSH D016738, MONDO:0007318.

Submission:

Gilbert/Spinner Lab, Children's Hospital of Philadelphia
No classification provided (evidence only). Condition: Alagille syndrome. Review status: no classification provided. Collection method: research. Allele origin: not applicable. Functional consequence: functionally_abnormal.
ClinVar note: "not provided" was previously submitted as the classification for the variant. However, the classification appeared to be based only on an observation of functional data so it was converted to no classification on 2025-07-30.